The following is an entry in ClinVar:

NM_024675.3(PALB2):c.2587-?_2748+?del

Gene: PALB2 (partner and localizer of BRCA2; minus strand). Cytogenetic location: 16p12.2.
Variant type: Deletion.
Coding change: c.2587-?_2748+?del on transcript NM_024675.3.
Other names: c.2587-?_2748+?del (LRG_308t1).
Identifiers: ClinVar variation 216007 (VCV000216007.4).

ClinVar aggregate classification (germline): Pathogenic/Likely pathogenic. Review status: criteria provided, multiple submitters, no conflicts (2 of 4 stars). 2 submissions from 2 submitters: Pathogenic (1); Likely pathogenic (1). Last evaluated 2016-11-22.

Conditions:
Hereditary cancer-predisposing syndrome. Also called: Hereditary Cancer Syndrome; Hereditary neoplastic syndrome; Neoplastic Syndromes, Hereditary; Tumor predisposition. Identifiers: Orphanet 140162, MedGen C0027672, MeSH D009386, MONDO:0015356.
Familial cancer of breast. Also called: Hereditary breast cancer; BREAST CANCER, FAMILIAL; hereditary breast carcinoma. Identifiers: Orphanet 227535, MedGen C0346153, MONDO:0016419, OMIM 114480. Disease mechanism: loss of function.

Submissions (2):

Labcorp Genetics (formerly Invitae), Labcorp
Classification: Likely pathogenic for Familial cancer of breast. Last evaluated: 2016-11-22. Review status: criteria provided, single submitter. Criteria: Invitae Variant Classification Sherloc (09022015). Collection method: clinical testing. Allele origin: germline.
Comment: This variant is a gross deletion of the genomic region encompassing exon 7 of the PALB2 gene. This leads to an in-frame deletion, preserving the integrity of the reading frame. This variant has not been reported in individuals with a PALB2-related disease. Exon 7 encodes a WD40-like repeat motif in the PALB2 protein. This motif is required for interactions with BRCA2, POLH and RAD51C proteins (PMID: 24141787, 24485656). Deletion of exon 7 is expected to disrupt this domain and very likely disrupts PALB2 function. In summary, this is a rare in-frame gross deletion that eliminates a portion of an important function domain. While this deletion is expected to be deleterious, without additional functional and/or genetic data, it has been classified as Likely Pathogenic.

University of Washington Department of Laboratory Medicine, University of Washington
Classification: Pathogenic for Hereditary cancer-predisposing syndrome. Last evaluated: 2015-11-20. Review status: criteria provided, single submitter. Criteria: Shirts et al. (Genet Med 2016). Collection method: clinical testing. Allele origin: germline. Affected: no. Observed: 1 variant allele.